The following is an entry in ClinVar:

ClinVar aggregate classification (germline): Uncertain significance (1 of 4 stars; one submission).

Conditions:
Deficiency of malonyl-CoA decarboxylase. Also called: Malonic aciduria; MCD deficiency. Identifiers: Orphanet 943, MedGen C0342793, MONDO:0009556, OMIM 248360.

Submission:

Labcorp Genetics (formerly Invitae), Labcorp
Classification: Uncertain significance for Deficiency of malonyl-CoA decarboxylase. Last evaluated: 2022-09-26. Review status: criteria provided, single submitter. Criteria: Invitae Variant Classification Sherloc (09022015). Collection method: clinical testing. Allele origin: germline.
Comment: This sequence change replaces leucine, which is neutral and non-polar, with proline, which is neutral and non-polar, at codon 483 of the MLYCD protein (p.Leu483Pro). This variant is not present in population databases (gnomAD no frequency). This variant has not been reported in the literature in individuals affected with MLYCD-related conditions. Advanced modeling of protein sequence and biophysical properties (such as structural, functional, and spatial information, amino acid conservation, physicochemical variation, residue mobility, and thermodynamic stability) performed at Invitae indicates that this missense variant is expected to disrupt MLYCD protein function. In summary, the available evidence is currently insufficient to determine the role of this variant in disease. Therefore, it has been classified as a Variant of Uncertain Significance.

NM_012213.3(MLYCD):c.1448T>C (p.Leu483Pro)

Gene: MLYCD (malonyl-CoA decarboxylase; plus strand). Cytogenetic location: 16q23.3.
Variant type: single nucleotide variant.
Coding change: c.1448T>C on transcript NM_012213.3 (MANE Select); coding-DNA position 1448, T replaced by C.
Protein change: p.Leu483Pro; replaces leucine 483 with proline.
Molecular consequence: missense variant.
Genome position (GRCh38, 1-based): chr16:83,915,455, T>C. VCF-style: chr16-83915455-T-C. GRCh37 (hg19) VCF-style: chr16-83949060-T-C.
Other names: short protein forms L483P.
Identifiers: ClinVar variation 2002123 (VCV002002123.4), dbSNP rs2507393023, ClinGen allele CA396920741.